The following is an entry in ClinVar:

ClinVar aggregate classification (germline): Uncertain significance (1 of 4 stars; one submission).

Allele frequency attached by ClinVar (database versions not stated): ExAC 0.00001.
gnomAD v4.1: 7 of 1,584,766 alleles (0.00044%); highest among the groups gnomAD compares: East Asian, 0.0046%; no homozygotes.

Submission:

Labcorp Genetics (formerly Invitae), Labcorp
Classification: Uncertain significance. Last evaluated: 2024-10-24. Review status: criteria provided, single submitter. Criteria: Invitae Variant Classification Sherloc (09022015). Collection method: clinical testing. Allele origin: germline.
Comment: This sequence change creates a premature translational stop signal (p.Arg495*) in the GUF1 gene. It is expected to result in an absent or disrupted protein product. However, the current clinical and genetic evidence is not sufficient to establish whether loss-of-function variants in GUF1 cause disease. This variant is present in population databases (rs769392101, gnomAD 0.006%). This variant has not been reported in the literature in individuals affected with GUF1-related conditions. Algorithms developed to predict the effect of sequence changes on RNA splicing suggest that this variant may disrupt the consensus splice site. In summary, the available evidence is currently insufficient to determine the role of this variant in disease. Therefore, it has been classified as a Variant of Uncertain Significance.

NM_021927.3(GUF1):c.1483C>T (p.Arg495Ter)

Gene: GUF1 (GTP binding elongation factor GUF1; plus strand). Cytogenetic location: 4p12.
Variant type: single nucleotide variant.
Coding change: c.1483C>T on transcript NM_021927.3 (MANE Select); coding-DNA position 1483, C replaced by T.
Protein change: p.Arg495Ter; replaces arginine 495 with a stop codon.
Molecular consequence: nonsense.
Genome position (GRCh38, 1-based): chr4:44,691,669, C>T. VCF-style: chr4-44691669-C-T. GRCh37 (hg19) VCF-style: chr4-44693686-C-T.
Other names: c.511C>T, p.Arg171Ter (NM_001345867.2, NM_001345869.2); c.1483C>T, p.Arg495Ter (NM_001345868.2); short protein forms R171*, R495*.
Identifiers: ClinVar variation 2980206 (VCV002980206.3), dbSNP rs769392101, ClinGen allele CA2905668.